The following is an entry in ClinVar:

ClinVar aggregate classification (germline): Uncertain significance (1 of 4 stars; one submission).

Conditions:
KBG syndrome (KBGS). Also called: ANKRD11-Related KBG Syndrome. Identifiers: Orphanet 2332, MedGen C0220687, MONDO:0007846, OMIM 148050.

Allele frequency attached by ClinVar (database versions not stated): gnomAD exomes below 0.00001; gnomAD 0.00001; TOPMed 0.00001.
gnomAD v4.1: 5 of 1,613,674 alleles (0.00031%); highest among the groups gnomAD compares: African/African-American, 0.0013%; no homozygotes.

Submission:

Labcorp Genetics (formerly Invitae), Labcorp
Classification: Uncertain significance for KBG syndrome. Last evaluated: 2022-08-08. Review status: criteria provided, single submitter. Criteria: Invitae Variant Classification Sherloc (09022015). Collection method: clinical testing. Allele origin: germline.
Comment: In summary, the available evidence is currently insufficient to determine the role of this variant in disease. Therefore, it has been classified as a Variant of Uncertain Significance. Advanced modeling of protein sequence and biophysical properties (such as structural, functional, and spatial information, amino acid conservation, physicochemical variation, residue mobility, and thermodynamic stability) performed at Invitae indicates that this missense variant is not expected to disrupt ANKRD11 protein function. This variant has not been reported in the literature in individuals affected with ANKRD11-related conditions. This variant is not present in population databases (gnomAD no frequency). This sequence change replaces glutamic acid, which is acidic and polar, with glutamine, which is neutral and polar, at codon 480 of the ANKRD11 protein (p.Glu480Gln).

NM_013275.6(ANKRD11):c.1438G>C (p.Glu480Gln)

Gene: ANKRD11 (ankyrin repeat domain 11; minus strand). Cytogenetic location: 16q24.3.
Variant type: single nucleotide variant.
Coding change: c.1438G>C on transcript NM_013275.6 (MANE Select); coding-DNA position 1438, G replaced by C.
Protein change: p.Glu480Gln; replaces glutamic acid 480 with glutamine.
Molecular consequence: missense variant.
Genome position (GRCh38, 1-based): chr16:89,285,104, C>G on the plus strand (G>C on the coding strand, the complement: ANKRD11 is on the minus strand). VCF-style: chr16-89285104-C-G. GRCh37 (hg19) VCF-style: chr16-89351512-C-G.
Other names: c.1438G>C, p.Glu480Gln (NM_001256182.2, NM_001256183.2); short protein forms E480Q.
Identifiers: ClinVar variation 1945735 (VCV001945735.5), dbSNP rs1292885694, ClinGen allele CA397164958.